The following is an entry in ClinVar:

NM_001080512.3(BICC1):c.1633C>A (p.Pro545Thr)

Gene: BICC1 (BicC family RNA binding protein 1; plus strand). Cytogenetic location: 10q21.1.
Variant type: single nucleotide variant.
Coding change: c.1633C>A on transcript NM_001080512.3 (MANE Select); coding-DNA position 1633, C replaced by A.
Protein change: p.Pro545Thr; replaces proline 545 with threonine.
Molecular consequence: missense variant.
Genome position (GRCh38, 1-based): chr10:58,799,160, C>A. VCF-style: chr10-58799160-C-A. GRCh37 (hg19) VCF-style: chr10-60558920-C-A.
Other names: c.1633C>A (NM_001080512.1); short protein forms P545T.
Identifiers: ClinVar variation 3621340 (VCV003621340.3).

ClinVar aggregate classification (germline): Uncertain significance. Review status: criteria provided, multiple submitters, no conflicts (2 of 4 stars). 2 submissions from 2 submitters: Uncertain significance (2). Last evaluated 2025-10-18.

gnomAD v4.1: 1 of 1,613,850 alleles (0.000062%); highest among the groups gnomAD compares: Admixed American, 0.0017%; no homozygotes.

Submissions (2):

Ambry Genetics
Classification: Uncertain significance. Last evaluated: 2025-10-18. Review status: criteria provided, single submitter. Criteria: Ambry Variant Classification Scheme 2023. Collection method: clinical testing. Allele origin: germline.

Labcorp Genetics (formerly Invitae), Labcorp
Classification: Uncertain significance. Last evaluated: 2024-10-23. Review status: criteria provided, single submitter. Criteria: Invitae Variant Classification Sherloc (09022015). Collection method: clinical testing. Allele origin: germline.
Comment: This sequence change replaces proline, which is neutral and non-polar, with threonine, which is neutral and polar, at codon 545 of the BICC1 protein (p.Pro545Thr). The frequency data for this variant in the population databases is considered unreliable, as metrics indicate poor data quality at this position in the gnomAD database. This variant has not been reported in the literature in individuals affected with BICC1-related conditions. An algorithm developed to predict the effect of missense changes on protein structure and function (PolyPhen-2) suggests that this variant is likely to be disruptive. In summary, the available evidence is currently insufficient to determine the role of this variant in disease. Therefore, it has been classified as a Variant of Uncertain Significance.